The following is an entry in ClinVar:

ClinVar aggregate classification (germline): Likely pathogenic (1 of 4 stars; one submission).

Conditions:
Dilated cardiomyopathy 1G (CMD1G). Identifiers: Orphanet 154, MedGen C1858763, MONDO:0011400, OMIM 604145.
Autosomal recessive limb-girdle muscular dystrophy type 2J (LGMDR10). Also called: Limb-girdle muscular dystrophy, type 2J; MUSCULAR DYSTROPHY, LIMB-GIRDLE, AUTOSOMAL RECESSIVE 10. Identifiers: Orphanet 140922, MedGen C1837342, MONDO:0012127, OMIM 608807.

Submission:

Labcorp Genetics (formerly Invitae), Labcorp
Classification: Likely pathogenic for Dilated cardiomyopathy 1G; Autosomal recessive limb-girdle muscular dystrophy type 2J. Last evaluated: 2024-06-30. Review status: criteria provided, single submitter. Criteria: Invitae Variant Classification Sherloc (09022015). Collection method: clinical testing. Allele origin: germline.
Comment: This sequence change creates a premature translational stop signal (p.Cys25455Aspfs*10) in the TTN gene. While this is not anticipated to result in nonsense mediated decay, it is expected to create a truncated TTN protein. This variant is not present in population databases (gnomAD no frequency). This variant has not been reported in the literature in individuals affected with TTN-related conditions. This variant is located in the A band of TTN (PMID: 25589632). Truncating variants in this region are significantly overrepresented in patients affected with dilated cardiomyopathy (PMID: 25589632). Truncating variants in this region have also been reported in individuals affected with autosomal recessive centronuclear myopathy (PMID: 23975875). In summary, the currently available evidence indicates that the variant is pathogenic, but additional data are needed to prove that conclusively. Therefore, this variant has been classified as Likely Pathogenic.

Literature cited by the submitters: PubMed 25589632; PubMed 23975875.

NM_001267550.2(TTN):c.76356_76362dup (p.Cys25455fs)

Genes: TTN (titin; minus strand), TTN-AS1 (TTN antisense RNA 1; plus strand). Cytogenetic location: 2q31.2.
Variant type: Duplication.
Coding change: c.76356_76362dup on transcript NM_001267550.2 (MANE Select); coding-DNA positions 76356 to 76362, 7 bases duplicated (GACAATG; older notation c.76356_76362dupGACAATG).
Protein change: p.Cys25455fs; shifts the reading frame from cysteine 25455.
Molecular consequence: frameshift variant.
Genome position (GRCh38, 1-based): chr2:178,569,770-178,569,776, CATTGTC duplicated on the plus strand (GACAATG on the coding strand, the reverse complement: TTN is on the minus strand); duplicating any 7 consecutive bases within chr2:178,569,770-178,569,780 gives the same sequence; the c. name uses the placement nearest the transcript's 3' end. VCF-style (leftmost placement, unchanged base first): chr2-178569769-A-ACATTGTC. GRCh37 (hg19) VCF-style: chr2-179434496-A-ACATTGTC.
Other names: c.71433_71439dup, p.Cys23814fs (NM_001256850.1); c.49161_49167dup, p.Cys16390fs (NM_003319.4); c.68652_68658dup, p.Cys22887fs (NM_133378.4); c.49536_49542dup, p.Cys16515fs (NM_133432.3); c.49737_49743dup, p.Cys16582fs (NM_133437.4); short protein forms C16390fs, C16515fs, C16582fs, C22887fs, C23814fs, C25455fs.
Identifiers: ClinVar variation 3757054 (VCV003757054.2).
Genomic context (GRCh38, chr2:178,569,769, plus strand): 5'-GCTTTTCCAACAGCTTCTCTACTTCTATGTTTGTTTTATTAATTCCTGTTGGTGGAGTGC[A>ACATTGTC]CATTGTCCATTCACCAACACTCACATCACATTTTTCAACAATGTATCCTTGAATTTCACA-3'